The following is an entry in ClinVar:

NM_000875.5(IGF1R):c.3348_3366dup (p.Met1123fs)

Gene: IGF1R (insulin like growth factor 1 receptor; plus strand). Cytogenetic location: 15q26.3.
Variant type: Duplication.
Coding change: c.3348_3366dup on transcript NM_000875.5 (MANE Select); coding-DNA positions 3348 to 3366, 19 bases duplicated (CGGAGAGATTGCAGACGGC).
Protein change: p.Met1123fs; shifts the reading frame from methionine 1123.
Molecular consequence: frameshift variant.
Genome position (GRCh38, 1-based): chr15:98,939,251-98,939,269, CGGAGAGATTGCAGACGGC duplicated; duplicating any 19 consecutive bases within chr15:98,939,248-98,939,269 gives the same sequence; the c. name uses the placement nearest the transcript's 3' end. VCF-style (leftmost placement, unchanged base first): chr15-98939247-T-TGGCCGGAGAGATTGCAGAC. GRCh37 (hg19) VCF-style: chr15-99482476-T-TGGCCGGAGAGATTGCAGAC.
Other names: c.3345_3363dup, p.Met1122fs (NM_001291858.2); c.3348_3366dupCGGAGAGATTGCAGACGGC (NM_000875.3); c.3348_3366dup19 (NM_000875.5); short protein forms M1123fs, M1122fs.
Identifiers: ClinVar variation 431965 (VCV000431965.16), dbSNP rs1322503729, ClinGen allele CA645373017.

ClinVar aggregate classification (germline): Pathogenic. Review status: criteria provided, multiple submitters, no conflicts (2 of 4 stars). 5 submissions from 5 submitters: Pathogenic (5). Last evaluated 2025-09-06.

Conditions:
Growth delay due to insulin-like growth factor I resistance. Also called: Insulin-Like Growth Factor I Resistance; Somatomedin end-organ insensitivity to; Somatomedin-c resistance to; IGF-1 resistance; IGF-I RESISTANCE. Identifiers: Orphanet 73273, MedGen C1849157, MONDO:0010038, OMIM 270450.
Inborn genetic diseases. Identifiers: MedGen C0950123, MeSH D030342.

Submissions (5):

Labcorp Genetics (formerly Invitae), Labcorp
Classification: Pathogenic. Last evaluated: 2025-09-06. Review status: criteria provided, single submitter. Criteria: Invitae Variant Classification Sherloc (09022015). Collection method: clinical testing. Allele origin: germline.
Comment: This sequence change creates a premature translational stop signal (p.Met1123Argfs*14) in the IGF1R gene. It is expected to result in an absent or disrupted protein product. Loss-of-function variants in IGF1R are known to be pathogenic (PMID: 14657428). This variant is not present in population databases (gnomAD no frequency). This premature translational stop signal has been observed in individual(s) with autosomal dominant short stature (PMID: 19240156). ClinVar contains an entry for this variant (Variation ID: 431965). For these reasons, this variant has been classified as Pathogenic.

Women's Health and Genetics/Laboratory Corporation of America, LabCorp
Classification: Pathogenic for Growth delay due to insulin-like growth factor I resistance. Last evaluated: 2024-10-29. Review status: criteria provided, single submitter. Criteria: LabCorp Variant Classification Summary - May 2015. Collection method: clinical testing. Allele origin: germline.
Comment: Variant summary: IGF1R c.3348_3366dup19 (p.Met1123ArgfsX14) results in a premature termination codon, predicted to cause a truncation of the encoded protein or absence of the protein due to nonsense mediated decay, which are commonly known mechanisms for disease. The variant was absent in 251460 control chromosomes (gnomAD). c.3348_3366dup19 has been reported in the literature in at least an individual affected with IGF1R-related conditions (example: Klammt_2011). The following publication has been ascertained in the context of this evaluation (PMID: 21396585). ClinVar contains an entry for this variant (Variation ID: 431965). Based on the evidence outlined above, the variant was classified as pathogenic.

GeneDx
Classification: Pathogenic. Last evaluated: 2021-11-29. Review status: criteria provided, single submitter. Criteria: GeneDx Variant Classification Process June 2021. Collection method: clinical testing. Allele origin: germline. Affected: yes.
Comment: Frameshift variant predicted to result in protein truncation or nonsense mediated decay in a gene for which loss-of-function is a known mechanism of disease; Published functional studies demonstrate nonsense-mediated mRNA decay and attenuated activation of the IGF1R pathway (Fang et al., 2009); Not observed in large population cohorts (Lek et al., 2016); This variant is associated with the following publications: (PMID: 19240156, 26578640, 26252249, 25866162, 25040157, 22180424, 21396585, 21204214, 14657428, 28395282)

Greenwood Genetic Center Diagnostic Laboratories, Greenwood Genetic Center
Classification: Pathogenic. Last evaluated: 2020-11-16. Review status: criteria provided, single submitter. Criteria: ACMG Guidelines, 2015. Collection method: clinical testing. Allele origin: germline. Affected: yes.
Comment: PVS1, PS3, PM2

Ambry Genetics
Classification: Pathogenic for Inborn genetic diseases. Last evaluated: 2020-02-25. Review status: criteria provided, single submitter. Criteria: Ambry Variant Classification Scheme 2023. Collection method: clinical testing. Allele origin: germline.
Comment: The alteration results in a premature stop codon: _x000D_ _x000D_ The c.3348_3366dup19 (p.M1123Rfs*14) alteration, located in coding exon 18 of the IGF1R gene, consists of a duplication of the 19 nucleotides at position 3348 to 3366, causing a translational frameshift with a predicted alternate stop codon after 14 amino acids. This alteration is expected to result in loss of function by premature protein truncation or nonsense-mediated mRNA decay. The alteration has been observed in affected individuals: _x000D_ _x000D_ This alteration was identified in one family with short stature. Unlike other reported patients with IGF1R alterations, the proband was described to have normal circulating levels of GH binding protein, IGF-I, and IGF binding protein 2 (Fang, 2009). Functional analysis reveals a damaging effect of the amino acid alteration: _x000D_ _x000D_ Analyses of the primary dermal fibroblasts in a family with this alteration revealed a reduced amount of the normal IGF1R protein and diminished activation of the IGF1R pathway (Fang, 2009). Based on the available evidence, this alteration is classified as pathogenic.

Literature cited by the submitters: PubMed 14657428 (cited by Labcorp Genetics (formerly Invitae), Labcorp); PubMed 19240156 (cited by Labcorp Genetics (formerly Invitae), Labcorp); PubMed 21396585 (cited by Women's Health and Genetics/Laboratory Corporation of America, LabCorp).